The following is an entry in ClinVar:

NM_000639.3(FASLG):c.113G>A (p.Arg38Lys)

Gene: FASLG (Fas ligand; plus strand). Cytogenetic location: 1q24.3.
Variant type: single nucleotide variant.
Coding change: c.113G>A on transcript NM_000639.3 (MANE Select); coding-DNA position 113, G replaced by A.
Protein change: p.Arg38Lys; replaces arginine 38 with lysine.
Molecular consequence: missense variant.
Genome position (GRCh38, 1-based): chr1:172,659,314, G>A. VCF-style: chr1-172659314-G-A. GRCh37 (hg19) VCF-style: chr1-172628454-G-A.
Other names: c.113G>A, p.Arg38Lys (NM_001302746.2); short protein forms R38K.
Identifiers: ClinVar variation 1492383 (VCV001492383.6), dbSNP rs149563384, ClinGen allele CA1247438.
Genomic context (GRCh38, chr1:172,659,314, plus strand): 5'-GTGCCAGCTCTCCCTGGGCCCCTCCAGGCACAGTTCTTCCCTGTCCAACCTCTGTGCCCA[G>A]AAGGCCTGGTCAAAGGAGGCCACCACCACCACCGCCACCGCCACCACTACCACCTCCGCC-3'
Protein context (NP_000630.1, residues 28-48): TVLPCPTSVP[Arg38Lys]RPGQRRPPPP

ClinVar aggregate classification (germline): Uncertain significance (1 of 4 stars; one submission).

Conditions:
Autoimmune lymphoproliferative syndrome type 1. Also called: AUTOIMMUNE LYMPHOPROLIFERATIVE SYNDROME, TYPE I, AUTOSOMAL DOMINANT. Identifiers: Orphanet 3261, MedGen C2717884, MONDO:0011158, OMIM 601859.

Allele frequency attached by ClinVar (database versions not stated): gnomAD exomes below 0.00001; ExAC 0.00001; ESP Exome Variant Server 0.00008; gnomAD 0.00001; TOPMed 0.00003.
gnomAD v4.1: 5 of 1,613,878 alleles (0.00031%); highest among the groups gnomAD compares: African/African-American, 0.0067%; no homozygotes.

Submission:

Labcorp Genetics (formerly Invitae), Labcorp
Classification: Uncertain significance for Autoimmune lymphoproliferative syndrome. Last evaluated: 2021-08-09. Review status: criteria provided, single submitter. Criteria: Invitae Variant Classification Sherloc (09022015). Collection method: clinical testing. Allele origin: germline.
Comment: In summary, the available evidence is currently insufficient to determine the role of this variant in disease. Therefore, it has been classified as a Variant of Uncertain Significance. Algorithms developed to predict the effect of missense changes on protein structure and function (SIFT, PolyPhen-2, Align-GVGD) all suggest that this variant is likely to be tolerated. This variant has not been reported in the literature in individuals affected with FASLG-related conditions. This variant is present in population databases (rs149563384, ExAC 0.01%). This sequence change replaces arginine with lysine at codon 38 of the FASLG protein (p.Arg38Lys). The arginine residue is weakly conserved and there is a small physicochemical difference between arginine and lysine.